The following is an entry in ClinVar:

ClinVar aggregate classification (germline): Pathogenic (1 of 4 stars; one submission).

Conditions:
Primary ciliary dyskinesia. Also called: Ciliary dyskinesia. Identifiers: Orphanet 244, MedGen C0008780, MONDO:0016575, HP:0012265.

Submission:

Labcorp Genetics (formerly Invitae), Labcorp
Classification: Pathogenic for Primary ciliary dyskinesia. Last evaluated: 2022-03-23. Review status: criteria provided, single submitter. Criteria: Invitae Variant Classification Sherloc (09022015). Collection method: clinical testing. Allele origin: germline.
Comment: For these reasons, this variant has been classified as Pathogenic. This variant disrupts a region of the RPGR (ORF15) protein in which other variant(s) (p.Leu1130Lysfs*13) have been determined to be pathogenic (PMID: 22264887; Invitae). This suggests that this is a clinically significant region of the protein, and that variants that disrupt it are likely to be disease-causing. This variant has not been reported in the literature in individuals affected with RPGR (ORF15)-related conditions. The frequency data for this variant in the population databases is considered unreliable, as metrics indicate insufficient coverage at this position in the gnomAD database. This sequence change creates a premature translational stop signal (p.Glu841Glyfs*241) in the RPGR (ORF15) gene. While this is not anticipated to result in nonsense mediated decay, it is expected to disrupt the last 312 amino acid(s) of the RPGR (ORF15) protein.

Literature cited by the submitters: PubMed 22264887.

NM_001034853.2(RPGR):c.2522_2543del (p.Glu841fs)

Gene: RPGR (retinitis pigmentosa GTPase regulator; minus strand). Cytogenetic location: Xp11.4.
Variant type: Deletion.
Coding change: c.2522_2543del on transcript NM_001034853.2 (MANE Select); coding-DNA positions 2522 to 2543, 22 bases deleted (AGGGGGAAGAGGAGGAAGGGGA).
Protein change: p.Glu841fs; shifts the reading frame from glutamic acid 841.
Molecular consequence: frameshift variant. On other transcripts: intron variant (8).
Genome position (GRCh38, 1-based): chrX:38,286,456-38,286,477, TCCCCTTCCTCCTCTTCCCCCT deleted on the plus strand (AGGGGGAAGAGGAGGAAGGGGA on the coding strand, the reverse complement: RPGR is on the minus strand). VCF-style (leftmost placement, unchanged base first): chrX-38286455-CTCCCCTTCCTCCTCTTCCCCCT-C. GRCh37 (hg19) VCF-style: chrX-38145708-CTCCCCTTCCTCCTCTTCCCCCT-C.
Other names: c.1569+4482_1569+4503del (NM_001367249.1, NM_001367250.1); c.1902+617_1902+638del (NM_001367245.1); c.1386+4482_1386+4503del (NM_001367251.1); c.1719+617_1719+638del (NM_001367246.1); c.1572+4482_1572+4503del (NM_001367247.1); c.1905+617_1905+638del (NM_000328.3); c.1602+4482_1602+4503del (NM_001367248.1); short protein forms E841fs.
Identifiers: ClinVar variation 2154226 (VCV002154226.4), dbSNP rs2519789861, ClinGen allele CA2580100901.